The following is an entry in ClinVar:

ClinVar aggregate classification (germline): Benign (1 of 4 stars; one submission).

Conditions:
Leigh syndrome (NULS). Also called: Leigh's necrotizing encephalopathy; Leigh's disease; Leigh Syndrome (mtDNA deletion); Leigh Disease; Subacute necrotizing encephalopathy; Necrotizing encephalopathy infantile subacute of Leigh. Identifiers: Orphanet 506, MedGen C2931891, MONDO:0009723, OMIM 256000.

Submission:

Wong Mito Lab, Molecular and Human Genetics, Baylor College of Medicine
Classification: Benign for Leigh syndrome. Last evaluated: 2019-10-17. Review status: criteria provided, single submitter. Criteria: Modified ACMG Guidelines (Unpublished). Collection method: clinical testing. Allele origin: germline.
Comment: The NC_012920.1:m.4767A>G (YP_003024027.1:p.Met100Val) variant in MTND2 gene is interpretated to be a Benign variant based on the modified ACMG guidelines (unpublished). This variant meets the following evidence codes: BS1, BS4, BP4

NC_012920.1(MT-ND2):m.4767A>G

Gene: MT-ND2 (mitochondrially encoded NADH dehydrogenase 2; plus strand).
Variant type: single nucleotide variant.
Genome position: chrM-4767-A-G.
Identifiers: ClinVar variation 692502 (VCV000692502.1), dbSNP rs1569483957, ClinGen allele CA414775695.